The following is an entry in ClinVar:

NM_003620.4(PPM1D):c.1321C>G (p.Arg441Gly)

Gene: PPM1D (protein phosphatase, Mg2+/Mn2+ dependent 1D; plus strand). Cytogenetic location: 17q23.2.
Variant type: single nucleotide variant.
Coding change: c.1321C>G on transcript NM_003620.4 (MANE Select); coding-DNA position 1321, C replaced by G.
Protein change: p.Arg441Gly; replaces arginine 441 with glycine.
Molecular consequence: missense variant.
Genome position (GRCh38, 1-based): chr17:60,663,055, C>G. VCF-style: chr17-60663055-C-G. GRCh37 (hg19) VCF-style: chr17-58740416-C-G.
Other names: short protein forms R441G.
Identifiers: ClinVar variation 4747934 (VCV004747934.1).
Genomic context (GRCh38, chr17:60,663,055, plus strand): 5'-TCACTGGAGGAGGATCCATGGCCAAGGGTGAATTCTAAGGACCATATACCTGCCCTGGTT[C>G]GTAGCAATGCCTTCTCAGAGAATTTTTTAGAGGTTTCAGCTGAGATAGCTCGAGAGAATG-3'
Protein context (NP_003611.1, residues 431-451): NSKDHIPALV[Arg441Gly]SNAFSENFLE

ClinVar aggregate classification (germline): Uncertain significance (1 of 4 stars; one submission).

gnomAD v4.1: 12 of 1,613,944 alleles (0.00074%); highest among the groups gnomAD compares: Non-Finnish European, 0.001%; no homozygotes.

Submission:

Labcorp Genetics (formerly Invitae), Labcorp
Classification: Uncertain significance. Last evaluated: 2025-08-31. Review status: criteria provided, single submitter. Criteria: Invitae Variant Classification Sherloc (09022015). Collection method: clinical testing. Allele origin: germline.
Comment: This sequence change replaces arginine, which is basic and polar, with glycine, which is neutral and non-polar, at codon 441 of the PPM1D protein (p.Arg441Gly). This variant is present in population databases (rs777279856, gnomAD 0.002%). This variant has not been reported in the literature in individuals affected with PPM1D-related conditions. An algorithm developed to predict the effect of missense changes on protein structure and function (PolyPhen-2) suggests that this variant is likely to be tolerated. In summary, the available evidence is currently insufficient to determine the role of this variant in disease. Therefore, it has been classified as a Variant of Uncertain Significance.